The following is an entry in ClinVar:

NM_002292.4(LAMB2):c.4867G>A (p.Gly1623Ser)

Gene: LAMB2 (laminin subunit beta 2; minus strand). Cytogenetic location: 3p21.31.
Variant type: single nucleotide variant.
Coding change: c.4867G>A on transcript NM_002292.4 (MANE Select); coding-DNA position 4867, G replaced by A.
Protein change: p.Gly1623Ser; replaces glycine 1623 with serine.
Molecular consequence: missense variant.
Genome position (GRCh38, 1-based): chr3:49,122,000, C>T on the plus strand (G>A on the coding strand, the complement: LAMB2 is on the minus strand). VCF-style: chr3-49122000-C-T. GRCh37 (hg19) VCF-style: chr3-49159433-C-T.
Other names: short protein forms G1623S.
Identifiers: ClinVar variation 2241629 (VCV002241629.5), dbSNP rs1219537305, ClinGen allele CA352687121.

ClinVar aggregate classification (germline): Uncertain significance. Review status: criteria provided, multiple submitters, no conflicts (2 of 4 stars). 2 submissions from 2 submitters: Uncertain significance (2). Last evaluated 2025-10-08.

Conditions:
LAMB2-related infantile-onset nephrotic syndrome. Also called: NEPHROTIC SYNDROME, TYPE 5, WITHOUT OCULAR ABNORMALITIES; NEPHROTIC SYNDROME, TYPE 5, WITH OCULAR ABNORMALITIES; Nephrotic Syndrome, type 5. Identifiers: Orphanet 306507, MedGen C3280113, MONDO:0013621, OMIM 614199.
Pierson syndrome. Also called: MICROCORIA-CONGENITAL NEPHROTIC SYNDROME. Identifiers: Orphanet 2670, MedGen C1836876, MONDO:0012184, OMIM 609049.
Inborn genetic diseases. Identifiers: MedGen C0950123, MeSH D030342.

Allele frequency attached by ClinVar (database versions not stated): gnomAD exomes 0.00001; gnomAD 0.00002.

Submissions (2):

Labcorp Genetics (formerly Invitae), Labcorp
Classification: Uncertain significance for LAMB2-related infantile-onset nephrotic syndrome; Pierson syndrome. Last evaluated: 2025-10-08. Review status: criteria provided, single submitter. Criteria: Invitae Variant Classification Sherloc (09022015). Collection method: clinical testing. Allele origin: germline.
Comment: This sequence change replaces glycine, which is neutral and non-polar, with serine, which is neutral and polar, at codon 1623 of the LAMB2 protein (p.Gly1623Ser). This variant is not present in population databases (gnomAD no frequency). This variant has not been reported in the literature in individuals affected with LAMB2-related conditions. ClinVar contains an entry for this variant (Variation ID: 2241629). An algorithm developed to predict the effect of missense changes on protein structure and function (PolyPhen-2) suggests that this variant is likely to be tolerated. In summary, the available evidence is currently insufficient to determine the role of this variant in disease. Therefore, it has been classified as a Variant of Uncertain Significance.

Ambry Genetics
Classification: Uncertain significance for Inborn genetic diseases. Last evaluated: 2021-08-09. Review status: criteria provided, single submitter. Criteria: Ambry Variant Classification Scheme 2023. Collection method: clinical testing. Allele origin: germline.